The following is an entry in ClinVar:

ClinVar aggregate classification (germline): Likely benign. Review status: criteria provided, multiple submitters, no conflicts (2 of 4 stars). 2 submissions from 2 submitters: Likely benign (2). Last evaluated 2024-06-25.

Allele frequency attached by ClinVar (database versions not stated): TOPMed below 0.00001; gnomAD exomes 0.00001; ExAC 0.00002.
gnomAD v4.1: 8 of 1,613,672 alleles (0.0005%); highest among the groups gnomAD compares: South Asian, 0.0088%; no homozygotes.

Submissions (2):

Blueprint Genetics
Classification: Likely benign. Last evaluated: 2024-06-25. Review status: criteria provided, single submitter. Criteria: ACMG Guidelines, 2015. Collection method: clinical testing. Allele origin: germline.

GeneDx
Classification: Likely benign. Last evaluated: 2016-09-08. Review status: criteria provided, single submitter. Criteria: GeneDx Variant Classification (06012015). Collection method: clinical testing. Allele origin: germline. Affected: yes.
Comment: This variant is considered likely benign or benign based on one or more of the following criteria: it is a conservative change, it occurs at a poorly conserved position in the protein, it is predicted to be benign by multiple in silico algorithms, and/or has population frequency not consistent with disease.

NM_001040142.2(SCN2A):c.672A>G (p.Ala224=)

Gene: SCN2A (sodium voltage-gated channel alpha subunit 2; plus strand). Cytogenetic location: 2q24.3.
Variant type: single nucleotide variant.
Coding change: c.672A>G on transcript NM_001040142.2 (MANE Select); coding-DNA position 672, A replaced by G.
Protein change: p.Ala224=; no amino-acid change (alanine 224 retained).
Molecular consequence: synonymous variant. On other transcripts: intron variant (2).
Genome position (GRCh38, 1-based): chr2:165,309,418, A>G. VCF-style: chr2-165309418-A-G. GRCh37 (hg19) VCF-style: chr2-166165928-A-G.
Other names: c.672A>G, p.Ala224= (NM_001371247.1, NM_021007.3); c.697+162A>G (NM_001040143.2, NM_001371246.1).
Identifiers: ClinVar variation 389217 (VCV000389217.2), dbSNP rs2228986, ClinGen allele CA1939671.